The following is an entry in ClinVar:

NM_000540.3(RYR1):c.10694G>A (p.Gly3565Asp)

Gene: RYR1 (ryanodine receptor 1; plus strand). Cytogenetic location: 19q13.2.
Variant type: single nucleotide variant.
Coding change: c.10694G>A on transcript NM_000540.3 (MANE Select); coding-DNA position 10694, G replaced by A.
Protein change: p.Gly3565Asp; replaces glycine 3565 with aspartic acid.
Molecular consequence: missense variant.
Genome position (GRCh38, 1-based): chr19:38,527,654, G>A. VCF-style: chr19-38527654-G-A. GRCh37 (hg19) VCF-style: chr19-39018294-G-A.
Other names: c.10679G>A, p.Gly3560Asp (NM_001042723.2); short protein forms G3560D, G3565D.
Identifiers: ClinVar variation 3071107 (VCV003071107.1), dbSNP rs761545088, ClinGen allele CA405646488.

ClinVar aggregate classification (germline): Uncertain significance (1 of 4 stars; one submission).

Conditions:
Malignant hyperthermia, susceptibility to, 1 (MHS1). Also called: Anesthesia related hyperthermia; Malignant hyperpyrexia; Fulminating hyperpyrexia; Pharmacogenic myopathy; RYR1-Related Malignant Hyperthermia Susceptibility; Malignant hyperthermia suceptibility 1. Identifiers: Orphanet 423, MedGen C2930980, MONDO:0007783, OMIM 145600.

Submission:

All of Us Research Program, National Institutes of Health
Classification: Uncertain significance for Malignant hyperthermia, susceptibility to, 1. Last evaluated: 2023-05-16. Review status: criteria provided, single submitter. Criteria: ACMG Guidelines, 2015. Collection method: clinical testing. Allele origin: germline. Inheritance: Autosomal dominant inheritance. Observed: 1 variant allele, 1 heterozygote.
Comment: This missense variant replaces glycine with aspartic acid at codon 3565 of the RYR1 protein. Computational prediction is inconclusive regarding the impact of this variant on protein structure and function (internally defined REVEL score threshold 0.5 < inconclusive < 0.7, PMID: 27666373). To our knowledge, functional studies have not been reported for this variant. This variant has not been reported in individuals affected with RYR1-related disorders in the literature. This variant has not been identified in the general population by the Genome Aggregation Database (gnomAD). The available evidence is insufficient to determine the role of this variant in disease conclusively. Therefore, this variant is classified as a Variant of Uncertain Significance.

This study involves interpretation of variants in research participants for the purpose of population health screening. Participant phenotype was not available at the time of variant classification. Additional details can be found in publication PMID: 35346344, PMCID: PMC8962531